The following is an entry in ClinVar:

NM_000535.7(PMS2):c.1929_1930del (p.Asn644fs)

Gene: PMS2 (PMS1 homolog 2, mismatch repair system component; minus strand). Cytogenetic location: 7p22.1.
Variant type: Deletion.
Coding change: c.1929_1930del on transcript NM_000535.7 (MANE Select); coding-DNA positions 1929 to 1930, 2 bases deleted (GA; older notation c.1929_1930delGA).
Protein change: p.Asn644fs; shifts the reading frame from asparagine 644.
Molecular consequence: frameshift variant. On other transcripts: non-coding transcript variant (1).
Genome position (GRCh38, 1-based): chr7:5,986,835-5,986,836, TC deleted on the plus strand (GA on the coding strand, the reverse complement: PMS2 is on the minus strand); deleting any 2 consecutive bases within chr7:5,986,835-5,986,837 gives the same sequence; the c. name uses the placement nearest the transcript's 3' end. VCF-style (leftmost placement, unchanged base first): chr7-5986834-TTC-T. GRCh37 (hg19) VCF-style: chr7-6026465-TTC-T.
Other names: c.1524_1525del, p.Asn509fs (NM_001322005.2, NM_001322009.2, NM_001322003.2 and 1 more transcripts); c.1773_1774del, p.Asn592fs (NM_001322006.2); c.1611_1612del, p.Asn538fs (NM_001322007.2, NM_001322008.2); c.1368_1369del, p.Asn457fs (NM_001322010.2); c.996_997del, p.Asn333fs (NM_001322011.2, NM_001322012.2); c.1356_1357del, p.Asn453fs (NM_001322013.2); c.1929_1930del, p.Asn644fs (NM_001322014.2); c.1620_1621del, p.Asn541fs (NM_001322015.2); short protein forms N453fs, N457fs, N509fs, N541fs, N644fs, N538fs, N592fs, N333fs.
Identifiers: ClinVar variation 942811 (VCV000942811.11), dbSNP rs1782935566, ClinGen allele CA1139659551.

ClinVar aggregate classification (germline): Pathogenic. Review status: criteria provided, multiple submitters, no conflicts (2 of 4 stars). 4 submissions from 4 submitters: Pathogenic (4). Last evaluated 2024-11-13.

Conditions:
Hereditary nonpolyposis colorectal neoplasms. Identifiers: MedGen C0009405, MeSH D003123.
Lynch syndrome 4 (LYNCH4). Also called: Hereditary non-polyposis colorectal cancer, type 4; Colorectal cancer, hereditary nonpolyposis, type 4. Identifiers: Orphanet 144, MedGen C1838333, MONDO:0013699, OMIM 614337. Disease mechanism: loss of function.
Hereditary cancer-predisposing syndrome. Also called: Neoplastic Syndromes, Hereditary; Hereditary Cancer Syndrome; Tumor predisposition; Hereditary neoplastic syndrome. Identifiers: Orphanet 140162, MedGen C0027672, MeSH D009386, MONDO:0015356.
Lynch syndrome. Identifiers: Orphanet 144, MedGen C4552100, MONDO:0005835. Disease mechanism: loss of function.

Submissions (4):

Color Diagnostics, LLC DBA Color Health
Classification: Pathogenic for Hereditary cancer-predisposing syndrome. Last evaluated: 2024-11-13. Review status: criteria provided, single submitter. Criteria: ACMG Guidelines, 2015. Collection method: clinical testing. Allele origin: germline.
Comment: This variant deletes 2 nucleotides in exon 11 of the PMS2 gene, creating a frameshift and premature translation stop signal. This variant is expected to result in an absent or non-functional protein product. To our knowledge, this variant has not been reported in individuals affected with PMS2-related disorders in the literature. This variant has not been identified in the general population by the Genome Aggregation Database (gnomAD). Loss of PMS2 function is a known mechanism of disease. Based on the available evidence, this variant is classified as Pathogenic.

All of Us Research Program, National Institutes of Health
Classification: Pathogenic for Lynch syndrome. Last evaluated: 2024-09-12. Review status: criteria provided, single submitter. Criteria: ACMG Guidelines, 2015. Collection method: clinical testing. Allele origin: germline. Inheritance: Autosomal dominant inheritance. Observed: 1 variant allele, 1 heterozygote.
Comment: The c.1929_1930del variant in the PMS2 gene is located on exon 11 and is predicted to shift the reading frame that introduces a premature translation termination codon (p.Asn644Leufs*5), resulting in an absent or disrupted protein product. To our knowledge, this variant has not been reported in individuals affected with PMS2-related disorders in literature. Other frameshift/termination codon variants located in the same exon (p.Arg563*, p.Asn657fs, p.Glu661*) have been reported in individuals with Lynch syndrome-related cancer (PMID: 31992580, 25430799, 20205264) and interpreted as pathogenic (ClinVar ID: 135067, 420579, 185743). Loss-of-function variants in the PMS2 gene are known to be pathogenic (PMID: 28514183, 25512458, 35223509). The variant has been reported in ClinVar (ID: 942811). The variant is absent in the general population according to gnomAD (v4.1). Therefore, the c.1929_1930del (p.Asn644Leufs*5) variant in the PMS2 gene has been classified as pathogenic.

This study involves interpretation of variants in research participants for the purpose of population health screening. Participant phenotype was not available at the time of variant classification. Additional details can be found in publication PMID: 35346344, PMCID: PMC8962531

Myriad Genetics, Inc.
Classification: Pathogenic for Lynch syndrome 4. Last evaluated: 2023-09-21. Review status: criteria provided, single submitter. Criteria: Myriad Autosomal Dominant, Autosomal Recessive and X-Linked Classification Criteria (2023). Collection method: clinical testing. Allele origin: unknown.
Comment: This variant is considered pathogenic. This variant creates a frameshift predicted to result in premature protein truncation.

Labcorp Genetics (formerly Invitae), Labcorp
Classification: Pathogenic for Hereditary nonpolyposis colorectal neoplasms. Last evaluated: 2019-06-30. Review status: criteria provided, single submitter. Criteria: Invitae Variant Classification Sherloc (09022015). Collection method: clinical testing. Allele origin: germline.
Comment: This sequence change creates a premature translational stop signal (p.Asn644Leufs*5) in the PMS2 gene. It is expected to result in an absent or disrupted protein product. This variant is not present in population databases (ExAC no frequency). This variant has not been reported in the literature in individuals with PMS2-related conditions. Loss-of-function variants in PMS2 are known to be pathogenic (PMID: 21376568, 24362816). For these reasons, this variant has been classified as Pathogenic.

Literature cited by the submitters: PubMed 20205264 (cited by All of Us Research Program, National Institutes of Health); PubMed 25430799 (cited by All of Us Research Program, National Institutes of Health); PubMed 25512458 (cited by All of Us Research Program, National Institutes of Health); PubMed 28514183 (cited by All of Us Research Program, National Institutes of Health); PubMed 31992580 (cited by All of Us Research Program, National Institutes of Health); PubMed 35223509 (cited by All of Us Research Program, National Institutes of Health); PubMed 21376568 (cited by Labcorp Genetics (formerly Invitae), Labcorp); PubMed 24362816 (cited by Labcorp Genetics (formerly Invitae), Labcorp).